The following is an entry in ClinVar:

NM_018297.4(NGLY1):c.1442_1452del (p.Leu480_Phe481insTer)

Gene: NGLY1 (N-glycanase 1; minus strand). Cytogenetic location: 3p24.2.
Variant type: Deletion.
Coding change: c.1442_1452del on transcript NM_018297.4 (MANE Select); coding-DNA positions 1442 to 1452, 11 bases deleted (TTATTCCCTGT).
Protein change: p.Leu480_Phe481insTer.
Molecular consequence: nonsense.
Genome position (GRCh38, 1-based): chr3:25,729,292-25,729,302, ACAGGGAATAA deleted on the plus strand (TTATTCCCTGT on the coding strand, the reverse complement: NGLY1 is on the minus strand); deleting any 11 consecutive bases within chr3:25,729,292-25,729,305 gives the same sequence; the c. name uses the placement nearest the transcript's 3' end. VCF-style (leftmost placement, unchanged base first): chr3-25729291-CACAGGGAATAA-C. GRCh37 (hg19) VCF-style: chr3-25770782-CACAGGGAATAA-C.
Other names: c.1388_1398del, p.Leu462_Phe463insTer (NM_001145293.2); c.1316_1326del, p.Leu438_Phe439insTer (NM_001145294.2); c.1442_1452del, p.Leu480_Phe481insTer (NM_001145295.2).
Identifiers: ClinVar variation 2754985 (VCV002754985.3), dbSNP rs2470510113, ClinGen allele CA2697550730.

ClinVar aggregate classification (germline): Pathogenic (1 of 4 stars; one submission).

Conditions:
Congenital disorder of deglycosylation (CDDG). Identifiers: MedGen C3808991, MONDO:0031376.

Submission:

Labcorp Genetics (formerly Invitae), Labcorp
Classification: Pathogenic for Congenital disorder of deglycosylation. Last evaluated: 2023-08-24. Review status: criteria provided, single submitter. Criteria: Invitae Variant Classification Sherloc (09022015). Collection method: clinical testing. Allele origin: germline.
Comment: For these reasons, this variant has been classified as Pathogenic. This variant has not been reported in the literature in individuals affected with NGLY1-related conditions. This variant is not present in population databases (gnomAD no frequency). This sequence change creates a premature translational stop signal (p.Phe481*) in the NGLY1 gene. It is expected to result in an absent or disrupted protein product. Loss-of-function variants in NGLY1 are known to be pathogenic (PMID: 24651605).

Literature cited by the submitters: PubMed 24651605.